The following is an entry in ClinVar:

NM_000282.4(PCCA):c.446del (p.Asn149fs)

Gene: PCCA (propionyl-CoA carboxylase subunit alpha; plus strand). Cytogenetic location: 13q32.3.
Variant type: Deletion.
Coding change: c.446del on transcript NM_000282.4 (MANE Select); coding-DNA position 446, one base deleted (A; older notation c.446delA).
Protein change: p.Asn149fs; shifts the reading frame from asparagine 149.
Molecular consequence: frameshift variant. On other transcripts: 5 prime UTR variant (3), non-coding transcript variant (5).
Genome position (GRCh38, 1-based): chr13:100,157,318, A deleted; the last of 4 consecutive A bases (chr13:100,157,315-100,157,318); deleting any one gives the same sequence. VCF-style (leftmost placement, unchanged base first): chr13-100157314-GA-G. GRCh37 (hg19) VCF-style: chr13-100809568-GA-G.
Other names: c.368del, p.Asn123fs (NM_001127692.3, NM_001352607.2, NM_001352608.2); c.446del, p.Asn149fs (NM_001178004.2, NM_001352605.2, NM_001352606.2 and 1 more transcripts); c.-421del (NM_001352610.2, NM_001352611.2, NM_001352612.2); short protein forms N123fs, N149fs.
Identifiers: ClinVar variation 830056 (VCV000830056.5), dbSNP rs1206838893, ClinGen allele CA611991933.

ClinVar aggregate classification (germline): Pathogenic. Review status: criteria provided, multiple submitters, no conflicts (2 of 4 stars). 3 submissions from 3 submitters: Pathogenic (3). Last evaluated 2024-09-20.

Conditions:
Propionic acidemia (PROP). Also called: GLYCINEMIA, KETOTIC; HYPERGLYCINEMIA WITH KETOACIDOSIS AND LEUKOPENIA; KETOTIC HYPERGLYCINEMIA. Identifiers: Orphanet 35, MedGen C0268579, MONDO:0011628, OMIM 606054, HP:0003571.

Submissions (3):

Natera, Inc.
Classification: Pathogenic for Propionic acidemia. Last evaluated: 2024-09-20. Review status: criteria provided, single submitter. Criteria: Natera Variant Classification Schema (03/2026). Collection method: clinical testing. Allele origin: germline.
Comment: The c.446delA variant in PCCA is a frameshift variant predicted to shift the reading frame beginning at codon 149 and leads to a stop codon 35 codons downstream. This variant is expected to result in nonsense mediated decay, truncation, or a dysfunctional protein product. This variant is rare in the general population with a frequency below the threshold expected for the associated phenotype(s). This variant has been observed in one or more individuals affected with the associated recessive disease, as either homozygous or compound heterozygous with a second variant (PMID: 38863445). Given the available evidence, this variant is classified as Pathogenic.

Baylor Genetics
Classification: Pathogenic for Propionic acidemia. Last evaluated: 2023-08-05. Review status: criteria provided, single submitter. Criteria: ACMG Guidelines, 2015. Collection method: clinical testing. Allele origin: unknown.

Center for Molecular Medicine, Children’s Hospital of Fudan University
Classification: Pathogenic for Propionic acidemia. Last evaluated: 2019-05-10. Review status: criteria provided, single submitter. Criteria: ACMG Guidelines, 2015. Collection method: clinical testing. Allele origin: maternal. Affected: yes.

Literature cited by the submitters: PubMed 38863445 (cited by Natera, Inc.).